The following is an entry in ClinVar:

NM_007294.4(BRCA1):c.3747C>A (p.Thr1249=)

Genes: BRCA1 (BRCA1 DNA repair associated; minus strand), LOC126862571 (BRD4-independent group 4 enhancer GRCh37_chr17:41243136-41244335; plus strand). Cytogenetic location: 17q21.31.
Variant type: single nucleotide variant.
Coding change: c.3747C>A on transcript NM_007294.4 (MANE Select); coding-DNA position 3747, C replaced by A.
Protein change: p.Thr1249=; no amino-acid change (threonine 1249 retained).
Molecular consequence: synonymous variant. On other transcripts: intron variant (135).
Genome position (GRCh38, 1-based): chr17:43,091,784, G>T on the plus strand (C>A on the coding strand, the complement: BRCA1 is on the minus strand). VCF-style: chr17-43091784-G-T. GRCh37 (hg19) VCF-style: chr17-41243801-G-T.
Other names: c.3480C>A, p.Thr1160= (NM_001407931.1, NM_001407932.1, NM_001407934.1 and 2 more transcripts); c.3483C>A, p.Thr1161= (NM_001407933.1, NM_001407935.1, NM_001407920.1 and 9 more transcripts); c.3624C>A, p.Thr1208= (NM_001407937.1, NM_001407938.1, NM_001407939.1 and 19 more transcripts); c.3621C>A, p.Thr1207= (NM_001407940.1, NM_001407941.1, NM_001407649.1 and 11 more transcripts); c.3606C>A, p.Thr1202= (NM_001407942.1, NM_001407944.1, NM_001407945.1 and 29 more transcripts); c.3603C>A, p.Thr1201= (NM_001407943.1, NM_001407964.1, NM_001407740.1 and 20 more transcripts); c.3414C>A, p.Thr1138= (NM_001407946.1, NM_001407947.1, NM_001407948.1 and 6 more transcripts); c.3411C>A, p.Thr1137= (NM_001407954.1, NM_001407955.1, NM_001407956.1 and 1 more transcripts); and 41 more.
Identifiers: ClinVar variation 682575 (VCV000682575.9), dbSNP rs587780801, ClinGen allele CA290834605.

ClinVar aggregate classification (germline): Benign/Likely benign. Review status: criteria provided, multiple submitters, no conflicts (2 of 4 stars). 3 submissions from 3 submitters: Benign (1); Likely benign (2). Last evaluated 2022-05-07.

Conditions:
Hereditary cancer-predisposing syndrome. Also called: Neoplastic Syndromes, Hereditary; Tumor predisposition; Hereditary neoplastic syndrome; Hereditary Cancer Syndrome. Identifiers: Orphanet 140162, MedGen C0027672, MeSH D009386, MONDO:0015356.
Hereditary breast ovarian cancer syndrome. Also called: BRCA1- and BRCA2-Associated Hereditary Breast and Ovarian Cancer; Hereditary breast and/or ovarian cancer syndrome; Hereditary breast and ovarian cancer syndrome (HBOC); Breast and ovarian cancer; Hereditary breast and ovarian cancer; Hereditary breast and ovarian cancer syndrome. Identifiers: Orphanet 145, MedGen C0677776, MeSH D061325, MONDO:0003582. Disease mechanism: loss of function.

gnomAD v4.1: 1 of 1,614,078 alleles (0.000062%); highest among the groups gnomAD compares: South Asian, 0.0011%; no homozygotes.

Submissions (3):

Labcorp Genetics (formerly Invitae), Labcorp
Classification: Benign for Hereditary breast ovarian cancer syndrome. Last evaluated: 2022-05-07. Review status: criteria provided, single submitter. Criteria: Invitae Variant Classification Sherloc (09022015). Collection method: clinical testing. Allele origin: germline.

Color Diagnostics, LLC DBA Color Health
Classification: Likely benign for Hereditary cancer-predisposing syndrome. Last evaluated: 2018-10-26. Review status: criteria provided, single submitter. Criteria: ACMG Guidelines, 2015. Collection method: clinical testing. Allele origin: germline.

GeneDx
Classification: Likely benign. Last evaluated: 2018-04-26. Review status: criteria provided, single submitter. Criteria: GeneDx Variant Classification (06012015). Collection method: clinical testing. Allele origin: germline. Affected: yes.
Comment: This variant is considered likely benign or benign based on one or more of the following criteria: it is a conservative change, it occurs at a poorly conserved position in the protein, it is predicted to be benign by multiple in silico algorithms, and/or has population frequency not consistent with disease.